The following is an entry in ClinVar:

NM_133433.4(NIPBL):c.2129G>T (p.Arg710Leu)

Gene: NIPBL (NIPBL cohesin loading factor; plus strand). Cytogenetic location: 5p13.2.
Variant type: single nucleotide variant.
Coding change: c.2129G>T on transcript NM_133433.4 (MANE Select); coding-DNA position 2129, G replaced by T.
Protein change: p.Arg710Leu; replaces arginine 710 with leucine.
Molecular consequence: missense variant.
Genome position (GRCh38, 1-based): chr5:36,985,309, G>T. VCF-style: chr5-36985309-G-T. GRCh37 (hg19) VCF-style: chr5-36985411-G-T.
Other names: c.2129G>T, p.Arg710Leu (NM_015384.5); short protein forms R710L.
Identifiers: ClinVar variation 3372400 (VCV003372400.1).

ClinVar aggregate classification (germline): Uncertain significance (1 of 4 stars; one submission).

Submission:

GeneDx
Classification: Uncertain significance. Last evaluated: 2024-04-10. Review status: criteria provided, single submitter. Criteria: GeneDx Variant Classification Process June 2021. Collection method: clinical testing. Allele origin: germline. Affected: yes.
Comment: Not observed at significant frequency in large population cohorts (gnomAD); In silico analysis indicates that this missense variant does not alter protein structure/function; Has not been previously published as pathogenic or benign to our knowledge